The following is an entry in ClinVar:

NM_178452.6(DNAAF1):c.106C>T (p.Arg36Ter)

Gene: DNAAF1 (dynein axonemal assembly factor 1; plus strand). Cytogenetic location: 16q24.1.
Variant type: single nucleotide variant.
Coding change: c.106C>T on transcript NM_178452.6 (MANE Select); coding-DNA position 106, C replaced by T.
Protein change: p.Arg36Ter; replaces arginine 36 with a stop codon.
Molecular consequence: nonsense.
Genome position (GRCh38, 1-based): chr16:84,145,546, C>T. VCF-style: chr16-84145546-C-T. GRCh37 (hg19) VCF-style: chr16-84179151-C-T.
Other names: short protein forms R36*.
Identifiers: ClinVar variation 4635328 (VCV004635328.1).
Genomic context (GRCh38, chr16:84,145,546, plus strand): 5'-CTGGATTGCGCGCAGGAGCCCGGCGTGGAGGAGTCTGCGGGTGACCACGGGAGCGCAGGC[C>T]GAGGGGGCTGCAAGGAAGGTGCCGACTGCCCCCCAGGGAGGGCGGTGGGCGAGGGGCAGA-3'

ClinVar aggregate classification (germline): Likely pathogenic (1 of 4 stars; one submission).

Conditions:
Primary ciliary dyskinesia. Also called: Ciliary dyskinesia. Identifiers: Orphanet 244, MedGen C0008780, MONDO:0016575, HP:0012265.

Submission:

Ambry Genetics
Classification: Likely pathogenic for Primary ciliary dyskinesia. Last evaluated: 2025-10-02. Review status: criteria provided, single submitter. Criteria: Ambry Variant Classification Scheme 2023. Collection method: clinical testing. Allele origin: germline.
Comment: The p.R36* variant (also known as c.106C>T), located in coding exon 1 of the DNAAF1 gene, results from a C to T substitution at nucleotide position 106. This changes the amino acid from an arginine to a stop codon within coding exon 1. The predicted stop codon occurs in the 5&rsquo; end of thegene. Premature termination codons in the 5&rsquo; end of a gene have been reported to escape nonsense-mediated mRNAdecay and/or lead to re-initiation (Rivas et al. Science. 2015 May 8;348(6235):666-9; Lindeboom et al. Nat Genet. 2016 Oct;48(10):1112-8; Rhee et al. Sci Rep. 2017 May 10;7(1):1653). Direct evidence for this alteration is unavailable, however premature termination codons are typically deleterious in nature. This variant is considered to be rare based on population cohorts in the Genome Aggregation Database (gnomAD). Based on the majority of available evidence to date, this variant is likely to be pathogenic.